The following is an entry in ClinVar:

ClinVar aggregate classification (germline): Uncertain significance (1 of 4 stars; one submission).

Conditions:
Congenital muscular dystrophy due to integrin alpha-7 deficiency. Also called: Congenital muscular dystrophy with integrin alpha-7 deficiency; Muscular dystrophy, congenital, due to ITGA7 deficiency; MYOPATHY, CONGENITAL, DUE TO INTEGRIN ALPHA-7 DEFICIENCY. Identifiers: Orphanet 34520, MedGen C2750786, MONDO:0013177, OMIM 613204.

Submission:

Labcorp Genetics (formerly Invitae), Labcorp
Classification: Uncertain significance for Congenital muscular dystrophy due to integrin alpha-7 deficiency. Last evaluated: 2022-03-29. Review status: criteria provided, single submitter. Criteria: Invitae Variant Classification Sherloc (09022015). Collection method: clinical testing. Allele origin: germline.
Comment: In summary, the available evidence is currently insufficient to determine the role of this variant in disease. Therefore, it has been classified as a Variant of Uncertain Significance. Algorithms developed to predict the effect of missense changes on protein structure and function are either unavailable or do not agree on the potential impact of this missense change (SIFT: "Deleterious"; PolyPhen-2: "Possibly Damaging"; Align-GVGD: "Class C0"). ClinVar contains an entry for this variant (Variation ID: 652085). This variant has not been reported in the literature in individuals affected with ITGA7-related conditions. This variant is not present in population databases (gnomAD no frequency). This sequence change replaces arginine, which is basic and polar, with proline, which is neutral and non-polar, at codon 800 of the ITGA7 protein (p.Arg800Pro).

NM_002206.3(ITGA7):c.2399G>C (p.Arg800Pro)

Genes: ITGA7 (integrin subunit alpha 7; minus strand), LOC126861535 (CDK7 strongly-dependent group 2 enhancer GRCh37_chr12:56087579-56088778; plus strand). Cytogenetic location: 12q13.2.
Variant type: single nucleotide variant.
Coding change: c.2399G>C on transcript NM_002206.3 (MANE Select); coding-DNA position 2399, G replaced by C.
Protein change: p.Arg800Pro; replaces arginine 800 with proline.
Molecular consequence: missense variant.
Genome position (GRCh38, 1-based): chr12:55,694,289, C>G on the plus strand (G>C on the coding strand, the complement: ITGA7 is on the minus strand). VCF-style: chr12-55694289-C-G. GRCh37 (hg19) VCF-style: chr12-56088073-C-G.
Other names: c.2411G>C, p.Arg804Pro (NM_001144996.2); c.2120G>C, p.Arg707Pro (NM_001144997.2); c.2072G>C, p.Arg691Pro (NM_001367993.1); c.1055G>C, p.Arg352Pro (NM_001367994.1); c.2381G>C, p.Arg794Pro (NM_001374465.1); c.2531G>C, p.Arg844Pro (NM_001410977.1); c.2393G>C, p.Arg798Pro (NM_001414029.1); c.2324G>C, p.Arg775Pro (NM_001414030.1); and 5 more; short protein forms R707P, R352P, R691P, R804P, R800P, R794P, R844P, R739P.
Identifiers: ClinVar variation 652085 (VCV000652085.9), dbSNP rs143929243, ClinGen allele CA385182873.